The following is an entry in ClinVar:

NM_001354640.2(CIROP):c.279C>T (p.Ala93=)

Gene: CIROP (ciliated left-right organizer metallopeptidase; minus strand). Cytogenetic location: 14q11.2.
Variant type: single nucleotide variant.
Coding change: c.279C>T on transcript NM_001354640.2 (MANE Select); coding-DNA position 279, C replaced by T.
Protein change: p.Ala93=; no amino-acid change (alanine 93 retained).
Molecular consequence: synonymous variant.
Genome position (GRCh38, 1-based): chr14:23,104,642, G>A on the plus strand (C>T on the coding strand, the complement: CIROP is on the minus strand). VCF-style: chr14-23104642-G-A. GRCh37 (hg19) VCF-style: chr14-23573851-G-A.
Other names: c.279C>T, p.Ala93= (NM_001402427.1).
Identifiers: ClinVar variation 4874139 (VCV004874139.2).
Genomic context (GRCh38, chr14:23,104,642, plus strand): 5'-TCTGTTCCCTCACTCACCTGCTAGAACAGCCTGGATTCGCTGAGTGGCCTCTCTCACTGC[G>A]GCCAGGGCTCGGGATCCCCCTCTCATCCCTTCTCCCTCAGGATCCCAAGCTCCATCTGAT-3'
Protein context (NP_001341569.1, residues 83-103): EGMRGGSRAL[Ala93=]AVREATQRIQ

ClinVar aggregate classification (germline): Likely benign (1 of 4 stars; one submission).

gnomAD v4.1: 14 of 702,658 alleles (0.002%); highest among the groups gnomAD compares: Admixed American, 0.016%; no homozygotes.

Submission:

CeGaT Center for Human Genetics Tuebingen
Classification: Likely benign. Last evaluated: 2026-06-01. Review status: criteria provided, single submitter. Criteria: CeGaT Center For Human Genetics Tuebingen Variant Classification Criteria Version 2. Collection method: clinical testing. Allele origin: germline. Affected: yes. Observed: 1 variant allele.
Comment: CIROP: BP4, BP7